The following is an entry in ClinVar:

ClinVar aggregate classification (germline): Uncertain significance (1 of 4 stars; one submission).

Conditions:
Desmin-related myofibrillar myopathy (MFM1). Also called: Desmin related myopathy (former name); Desmin storage myopathy (former name); MYOFIBRILLAR MYOPATHY WITH ARRHYTHMOGENIC RIGHT VENTRICULAR CARDIOMYOPATHY; DESMIN-RELATED MYOPATHY WITH ARRHYTHMOGENIC RIGHT VENTRICULAR CARDIOMYOPATHY; Desminopathy; Myofibrillar myopathy 1. Identifiers: Orphanet 363543, Orphanet 98909, MedGen C1832370, MONDO:0011076, OMIM 601419.

Submission:

Labcorp Genetics (formerly Invitae), Labcorp
Classification: Uncertain significance for Desmin-related myofibrillar myopathy. Last evaluated: 2023-04-24. Review status: criteria provided, single submitter. Criteria: Invitae Variant Classification Sherloc (09022015). Collection method: clinical testing. Allele origin: germline.
Comment: Advanced modeling of protein sequence and biophysical properties (such as structural, functional, and spatial information, amino acid conservation, physicochemical variation, residue mobility, and thermodynamic stability) has been performed at Invitae for this missense variant, however the output from this modeling did not meet the statistical confidence thresholds required to predict the impact of this variant on DES protein function. ClinVar contains an entry for this variant (Variation ID: 1414736). This variant has not been reported in the literature in individuals affected with DES-related conditions. This variant is not present in population databases (gnomAD no frequency). This sequence change replaces valine, which is neutral and non-polar, with leucine, which is neutral and non-polar, at codon 53 of the DES protein (p.Val53Leu). In summary, the available evidence is currently insufficient to determine the role of this variant in disease. Therefore, it has been classified as a Variant of Uncertain Significance.

NM_001927.4(DES):c.157G>T (p.Val53Leu)

Gene: DES (desmin; plus strand). Cytogenetic location: 2q35.
Variant type: single nucleotide variant.
Coding change: c.157G>T on transcript NM_001927.4 (MANE Select); coding-DNA position 157, G replaced by T.
Protein change: p.Val53Leu; replaces valine 53 with leucine.
Molecular consequence: missense variant.
Genome position (GRCh38, 1-based): chr2:219,418,619, G>T. VCF-style: chr2-219418619-G-T. GRCh37 (hg19) VCF-style: chr2-220283341-G-T.
Other names: c.157G>T, p.Val53Leu (NM_001382708.1, NM_001382709.1, NM_001382710.1 and 3 more transcripts); short protein forms V53L.
Identifiers: ClinVar variation 1414736 (VCV001414736.6), dbSNP rs1393972560, ClinGen allele CA350683443.